The following is an entry in ClinVar:

ClinVar aggregate classification (germline): Uncertain significance (1 of 4 stars; one submission).

Conditions:
Costello syndrome (CSTLO). Also called: HRAS-Related Costello Syndrome; FACIOCUTANEOSKELETAL SYNDROME; FCS SYNDROME. Identifiers: Orphanet 3071, MedGen C0587248, MONDO:0009026, OMIM 218040.

Submission:

Labcorp Genetics (formerly Invitae), Labcorp
Classification: Uncertain significance for Costello syndrome. Last evaluated: 2022-01-25. Review status: criteria provided, single submitter. Criteria: Invitae Variant Classification Sherloc (09022015). Collection method: clinical testing. Allele origin: germline.
Comment: In summary, the available evidence is currently insufficient to determine the role of this variant in disease. Therefore, it has been classified as a Variant of Uncertain Significance. Algorithms developed to predict the effect of missense changes on protein structure and function (SIFT, PolyPhen-2, Align-GVGD) all suggest that this variant is likely to be disruptive. This variant has not been reported in the literature in individuals affected with HRAS-related conditions. This variant is not present in population databases (gnomAD no frequency). This sequence change replaces alanine, which is neutral and non-polar, with threonine, which is neutral and polar, at codon 83 of the HRAS protein (p.Ala83Thr).

NM_005343.4(HRAS):c.247G>A (p.Ala83Thr)

Genes: HRAS (HRas proto-oncogene, GTPase; minus strand), LRRC56 (leucine rich repeat containing 56; plus strand). Cytogenetic location: 11p15.5.
Variant type: single nucleotide variant.
Coding change: c.247G>A on transcript NM_005343.4 (MANE Select); coding-DNA position 247, G replaced by A.
Protein change: p.Ala83Thr; replaces alanine 83 with threonine.
Molecular consequence: missense variant. On other transcripts: 5 prime UTR variant (1).
Genome position (GRCh38, 1-based): chr11:533,809, C>T on the plus strand (G>A on the coding strand, the complement: HRAS is on the minus strand). VCF-style: chr11-533809-C-T. GRCh37 (hg19) VCF-style: chr11-533809-C-T.
Other names: c.247G>A, p.Ala83Thr (NM_001130442.3, NM_176795.5); c.-73G>A (NM_001318054.2); short protein forms A83T.
Identifiers: ClinVar variation 2087469 (VCV002087469.4), dbSNP rs2133990202, ClinGen allele CA378924494.